The following is an entry in ClinVar:

ClinVar aggregate classification (germline): Uncertain significance (1 of 4 stars; one submission).

Conditions:
Gastrointestinal stromal tumor. Also called: Gastrointestinal stromal tumor, somatic; Gastrointestinal stroma tumor. Identifiers: Orphanet 44890, MedGen C0238198, MeSH D046152, MONDO:0011719, OMIM 606764, HP:0100723.

Submission:

Labcorp Genetics (formerly Invitae), Labcorp
Classification: Uncertain significance for Gastrointestinal stromal tumor. Last evaluated: 2024-08-29. Review status: criteria provided, single submitter. Criteria: Invitae Variant Classification Sherloc (09022015). Collection method: clinical testing. Allele origin: germline.
Comment: This sequence change replaces serine, which is neutral and polar, with asparagine, which is neutral and polar, at codon 377 of the PDGFRA protein (p.Ser377Asn). This variant is not present in population databases (gnomAD no frequency). This variant has not been reported in the literature in individuals affected with PDGFRA-related conditions. Invitae Evidence Modeling of protein sequence and biophysical properties (such as structural, functional, and spatial information, amino acid conservation, physicochemical variation, residue mobility, and thermodynamic stability) indicates that this missense variant is not expected to disrupt PDGFRA protein function with a negative predictive value of 80%. In summary, the available evidence is currently insufficient to determine the role of this variant in disease. Therefore, it has been classified as a Variant of Uncertain Significance.

NM_006206.6(PDGFRA):c.1130G>A (p.Ser377Asn)

Gene: PDGFRA (platelet derived growth factor receptor alpha; plus strand). Cytogenetic location: 4q12.
Variant type: single nucleotide variant.
Coding change: c.1130G>A on transcript NM_006206.6 (MANE Select); coding-DNA position 1130, G replaced by A.
Protein change: p.Ser377Asn; replaces serine 377 with asparagine.
Molecular consequence: missense variant.
Genome position (GRCh38, 1-based): chr4:54,270,641, G>A. VCF-style: chr4-54270641-G-A. GRCh37 (hg19) VCF-style: chr4-55136808-G-A.
Other names: c.1130G>A, p.Ser377Asn (NM_001347827.2, NM_001347829.2); c.1205G>A, p.Ser402Asn (NM_001347828.2); c.1169G>A, p.Ser390Asn (NM_001347830.2); short protein forms S402N, S377N, S390N.
Identifiers: ClinVar variation 3663921 (VCV003663921.2).
Genomic context (GRCh38, chr4:54,270,641, plus strand): 5'-ATTGGAACTTACTTAGCTACTGCTTGTTGAAACAAAATCCTTTTTTTAAAAGGTATCGAA[G>A]CAAATTAAAGCTGATCCGTGCTAAGGAAGAAGACAGTGGCCATTATACTATTGTAGCTCA-3'
Protein context (NP_006197.1, residues 367-387): VEKIQEIRYR[Ser377Asn]KLKLIRAKEE